The following is an entry in ClinVar:

ClinVar aggregate classification (germline): Uncertain significance. Review status: criteria provided, multiple submitters, no conflicts (2 of 4 stars). 3 submissions from 3 submitters: Uncertain significance (3). Last evaluated 2024-10-15.

Conditions:
Nephronophthisis 4 (NPHP4). Also called: NEPHRONOPHTHISIS 4, JUVENILE. Identifiers: Orphanet 655, MedGen C1847013, MONDO:0011752, OMIM 606966.
Senior-Loken syndrome 4 (SLSN4). Identifiers: Orphanet 3156, MedGen C1846979, MONDO:0011756, OMIM 606996.
Inborn genetic diseases. Identifiers: MedGen C0950123, MeSH D030342.
Nephronophthisis. Also called: Juvenile Nephronophthisis. Identifiers: Orphanet 655, MedGen C0687120, MONDO:0019005, HP:0000090.

Allele frequency attached by ClinVar (database versions not stated): gnomAD exomes 0.00001; ExAC 0.00002; gnomAD 0.00007 and 0.00010; ESP Exome Variant Server 0.00008; TOPMed 0.00010.
gnomAD v4.1: 21 of 1,613,854 alleles (0.0013%); highest among the groups gnomAD compares: African/African-American, 0.025%; no homozygotes.

Submissions (3):

Labcorp Genetics (formerly Invitae), Labcorp
Classification: Uncertain significance for Nephronophthisis. Last evaluated: 2024-10-15. Review status: criteria provided, single submitter. Criteria: Invitae Variant Classification Sherloc (09022015). Collection method: clinical testing. Allele origin: germline.
Comment: This sequence change replaces proline, which is neutral and non-polar, with serine, which is neutral and polar, at codon 1369 of the NPHP4 protein (p.Pro1369Ser). This variant is present in population databases (rs376675995, gnomAD 0.01%). This variant has not been reported in the literature in individuals affected with NPHP4-related conditions. ClinVar contains an entry for this variant (Variation ID: 945361). Invitae Evidence Modeling of protein sequence and biophysical properties (such as structural, functional, and spatial information, amino acid conservation, physicochemical variation, residue mobility, and thermodynamic stability) indicates that this missense variant is not expected to disrupt NPHP4 protein function with a negative predictive value of 80%. In summary, the available evidence is currently insufficient to determine the role of this variant in disease. Therefore, it has been classified as a Variant of Uncertain Significance.

Fulgent Genetics
Classification: Uncertain significance for Nephronophthisis 4; Senior-Loken syndrome 4. Last evaluated: 2024-05-15. Review status: criteria provided, single submitter. Criteria: ACMG Guidelines, 2015. Collection method: clinical testing. Allele origin: germline.

Ambry Genetics
Classification: Uncertain significance for Inborn genetic diseases. Last evaluated: 2024-04-29. Review status: criteria provided, single submitter. Criteria: Ambry Variant Classification Scheme 2023. Collection method: clinical testing. Allele origin: germline.

NM_015102.5(NPHP4):c.4105C>T (p.Pro1369Ser)

Gene: NPHP4 (nephrocystin 4; minus strand). Cytogenetic location: 1p36.31.
Variant type: single nucleotide variant.
Coding change: c.4105C>T on transcript NM_015102.5 (MANE Select); coding-DNA position 4105, C replaced by T.
Protein change: p.Pro1369Ser; replaces proline 1369 with serine.
Molecular consequence: missense variant. On other transcripts: non-coding transcript variant (1).
Genome position (GRCh38, 1-based): chr1:5,863,925, G>A on the plus strand (C>T on the coding strand, the complement: NPHP4 is on the minus strand). VCF-style: chr1-5863925-G-A. GRCh37 (hg19) VCF-style: chr1-5923985-G-A.
Other names: c.2566C>T, p.Pro856Ser (NM_001291593.2); c.2569C>T, p.Pro857Ser (NM_001291594.2); c.4105C>T (NM_015102.3); short protein forms P1369S, P856S, P857S.
Identifiers: ClinVar variation 945361 (VCV000945361.8), dbSNP rs376675995, ClinGen allele CA553354.